The following is an entry in ClinVar:

ClinVar aggregate classification (germline): Benign. Review status: criteria provided, multiple submitters, no conflicts (2 of 4 stars). 6 submissions from 6 submitters: Benign (4). 2 of the submissions do not count toward it. Last evaluated 2026-02-02.

Conditions:
Hereditary sensory neuropathy-deafness-dementia syndrome. Also called: HSN IE; Hereditary sensory neuropathy type IE; Hereditary Sensory and Autonomic Neuropathy Type 1E (HSAN1E); NEUROPATHY, HEREDITARY SENSORY, WITH HEARING LOSS AND DEMENTIA. Identifiers: Orphanet 456318, MedGen C3279885, MONDO:0013584, OMIM 614116.

Allele frequency attached by ClinVar (database versions not stated): ESP Exome Variant Server 0.00054; TOPMed 0.00193; gnomAD exomes 0.00371 and 0.00874; gnomAD 0.00552 and 0.00587; ExAC 0.00772; 1000 Genomes Project 30x 0.00781; 1000 Genomes Project 0.00859.
gnomAD v4.1: 6,530 of 1,610,574 alleles (0.41%); highest among the groups gnomAD compares: East Asian, 3.5%; 135 homozygotes.

Submissions (6):

Labcorp Genetics (formerly Invitae), Labcorp
Classification: Benign for Hereditary sensory neuropathy-deafness-dementia syndrome. Last evaluated: 2026-02-02. Review status: criteria provided, single submitter. Criteria: Invitae Variant Classification Sherloc (09022015). Collection method: clinical testing. Allele origin: germline.

ARUP Laboratories, Molecular Genetics and Genomics, ARUP Laboratories
Classification: Benign. Last evaluated: 2025-07-17. Review status: criteria provided, single submitter. Criteria: ARUP Molecular Germline Variant Investigation Process 2024. Collection method: clinical testing. Allele origin: germline.

GeneDx
Classification: Benign. Last evaluated: 2016-03-25. Review status: criteria provided, single submitter. Criteria: GeneDx Variant Classification (06012015). Collection method: clinical testing. Allele origin: germline. Affected: yes.
Comment: This variant is considered likely benign or benign based on one or more of the following criteria: it is a conservative change, it occurs at a poorly conserved position in the protein, it is predicted to be benign by multiple in silico algorithms, and/or has population frequency not consistent with disease.

Breakthrough Genomics
Classification: Benign. Review status: criteria provided, single submitter. Criteria: ACMG Guidelines, 2015. Collection method: not provided. Allele origin: germline. Inheritance: Autosomal dominant inheritance. Affected: yes.

Clinical Genetics DNA and cytogenetics Diagnostics Lab, Erasmus MC, Erasmus Medical Center
Classification: Likely benign. Review status: no assertion criteria provided. Collection method: clinical testing. Allele origin: germline. Affected: yes. Study: VKGL Data-share Consensus. Not counted in ClinVar's aggregate classification.

Clinical Genetics, Academic Medical Center
Classification: Benign. Review status: no assertion criteria provided. Collection method: clinical testing. Allele origin: germline. Affected: yes. Study: VKGL Data-share Consensus. Not counted in ClinVar's aggregate classification.

NM_001130823.3(DNMT1):c.117+19T>C

Genes: DNMT1 (DNA methyltransferase 1; minus strand), LOC107080555 (origin of replication in DNMT1; plus strand). Cytogenetic location: 19p13.2.
Variant type: single nucleotide variant.
Coding change: c.117+19T>C on transcript NM_001130823.3 (MANE Select); 19 bases into the intron after coding-DNA position 117, T replaced by C.
Molecular consequence: intron variant.
Genome position (GRCh38, 1-based): chr19:10,182,022, A>G on the plus strand (T>C on the coding strand, the complement: DNMT1 is on the minus strand). VCF-style: chr19-10182022-A-G. GRCh37 (hg19) VCF-style: chr19-10292698-A-G.
Other names: c.117+19T>C (LRG_362t1, NM_001379.4, NM_001318730.2); c.-207+19T>C (NM_001318731.2).
Identifiers: ClinVar variation 377786 (VCV000377786.23), dbSNP rs77954383, ClinGen allele CA9188842.